The following is an entry in ClinVar:

NM_033343.4(LHX4):c.1066G>A (p.Ala356Thr)

Genes: ACBD6 (acyl-CoA binding domain containing 6; minus strand), LHX4 (LIM homeobox 4; plus strand), LHX4-AS1 (LHX4 antisense RNA 1; minus strand). Cytogenetic location: 1q25.2.
Variant type: single nucleotide variant.
Coding change: c.1066G>A on transcript NM_033343.4 (MANE Select); coding-DNA position 1066, G replaced by A.
Protein change: p.Ala356Thr; replaces alanine 356 with threonine.
Molecular consequence: missense variant.
Genome position (GRCh38, 1-based): chr1:180,274,472, G>A. VCF-style: chr1-180274472-G-A. GRCh37 (hg19) VCF-style: chr1-180243607-G-A.
Other names: short protein forms A356T.
Identifiers: ClinVar variation 391349 (VCV000391349.2), dbSNP rs1057524047, ClinGen allele CA16603507.

ClinVar aggregate classification (germline): Uncertain significance (1 of 4 stars; one submission).

Submission:

GeneDx
Classification: Uncertain significance. Last evaluated: 2016-12-19. Review status: criteria provided, single submitter. Criteria: GeneDx Variant Classification (06012015). Collection method: clinical testing. Allele origin: germline. Affected: yes.
Comment: The A356T variant in the LHX4 gene has not been reported previously as a pathogenic variant, nor as a benign variant, to our knowledge. The A356T variant was not observed in approximately 6500 individuals of European and African American ancestry in the NHLBI Exome Sequencing Project, indicating it is not a common benign variant in these populations. The A356T variant is a non-conservative amino acid substitution, which is likely to impact secondary protein structure as these residues differ in polarity, charge, size and/or other properties. This substitution occurs at a position that is conserved across species. In silico analysis is inconsistent in its predictions as to whether or not the variant is damaging to the protein structure/function. We interpret A356T as a variant of uncertain significance